The following is an entry in ClinVar:

ClinVar aggregate classification (germline): Uncertain significance (1 of 4 stars; one submission).

Conditions:
Cornelia de Lange syndrome 3 (CDLS3). Also called: SMC3-Related Cornelia de Lange Syndrome; CORNELIA DE LANGE SYNDROME 3 WITH OR WITHOUT MIDLINE BRAIN DEFECTS. Identifiers: Orphanet 199, MedGen C1853099, MONDO:0012555, OMIM 610759.

Allele frequency attached by ClinVar (database versions not stated): gnomAD exomes below 0.00001; ExAC 0.00001.
gnomAD v4.1: 5 of 1,613,768 alleles (0.00031%); highest among the groups gnomAD compares: East Asian, 0.0022%; no homozygotes.

Submission:

Labcorp Genetics (formerly Invitae), Labcorp
Classification: Uncertain significance for Cornelia de Lange syndrome 3. Last evaluated: 2021-06-13. Review status: criteria provided, single submitter. Criteria: Invitae Variant Classification Sherloc (09022015). Collection method: clinical testing. Allele origin: germline.
Comment: In summary, the available evidence is currently insufficient to determine the role of this variant in disease. Therefore, it has been classified as a Variant of Uncertain Significance. Algorithms developed to predict the effect of missense changes on protein structure and function are either unavailable or do not agree on the potential impact of this missense change (SIFT: "Deleterious"; PolyPhen-2: "Probably Damaging"; Align-GVGD: "Class C0"). This variant has not been reported in the literature in individuals with SMC3-related conditions. This variant is present in population databases (rs780811321, ExAC 0.002%). This sequence change replaces tyrosine with cysteine at codon 600 of the SMC3 protein (p.Tyr600Cys). The tyrosine residue is moderately conserved and there is a large physicochemical difference between tyrosine and cysteine.

NM_005445.4(SMC3):c.1799A>G (p.Tyr600Cys)

Gene: SMC3 (structural maintenance of chromosomes 3; plus strand). Cytogenetic location: 10q25.2.
Variant type: single nucleotide variant.
Coding change: c.1799A>G on transcript NM_005445.4 (MANE Select); coding-DNA position 1799, A replaced by G.
Protein change: p.Tyr600Cys; replaces tyrosine 600 with cysteine.
Molecular consequence: missense variant.
Genome position (GRCh38, 1-based): chr10:110,591,119, A>G. VCF-style: chr10-110591119-A-G. GRCh37 (hg19) VCF-style: chr10-112350877-A-G.
Other names: short protein forms Y600C.
Identifiers: ClinVar variation 1349174 (VCV001349174.8), dbSNP rs780811321, ClinGen allele CA5688039.
Genomic context (GRCh38, chr10:110,591,119, plus strand): 5'-ATCTTCCTGGAGAGGTTACTTTTCTGCCTCTTAACAAGTTAGATGTCAGGGATACAGCCT[A>G]TCCTGAAACCAATGTGAGTCATTGTGTGATAAGGTGTATTTCTCTTTTATAATGTTATTT-3'
Protein context (NP_005436.1, residues 590-610): LNKLDVRDTA[Tyr600Cys]PETNDAIPMI